The following is an entry in ClinVar:

NM_015175.3(NBEAL2):c.588C>T (p.Pro196=)

Gene: NBEAL2 (neurobeachin like 2; plus strand). Cytogenetic location: 3p21.31.
Variant type: single nucleotide variant.
Coding change: c.588C>T on transcript NM_015175.3 (MANE Select); coding-DNA position 588, C replaced by T.
Protein change: p.Pro196=; no amino-acid change (proline 196 retained).
Molecular consequence: synonymous variant.
Genome position (GRCh38, 1-based): chr3:46,991,250, C>T. VCF-style: chr3-46991250-C-T. GRCh37 (hg19) VCF-style: chr3-47032740-C-T.
Other names: c.567C>T, p.Pro189= (NM_001365116.2).
Identifiers: ClinVar variation 3050636 (VCV003050636.2), dbSNP rs767318538, ClinGen allele CA2360153.

ClinVar aggregate classification (germline): Likely benign (0 of 4 stars; one submission).

Conditions:
NBEAL2-related disorder. Also called: NBEAL2-related condition.

Allele frequency attached by ClinVar (database versions not stated): gnomAD 0.00001; gnomAD exomes 0.00001; TOPMed 0.00002; ExAC 0.00003.
gnomAD v4.1: 9 of 1,608,306 alleles (0.00056%); highest among the groups gnomAD compares: Admixed American, 0.013%; no homozygotes.

Submission:

PreventionGenetics, part of Exact Sciences
Classification: Likely benign for NBEAL2-related condition. Last evaluated: 2019-07-15. Review status: no assertion criteria provided. Collection method: clinical testing. Allele origin: germline.
Comment: This variant is classified as likely benign based on ACMG/AMP sequence variant interpretation guidelines (Richards et al. 2015 PMID: 25741868, with internal and published modifications).